The following is an entry in ClinVar:

NM_017780.4(CHD7):c.2601_2602insACAA (p.Phe868fs)

Gene: CHD7 (chromodomain helicase DNA binding protein 7; plus strand). Cytogenetic location: 8q12.2.
Variant type: Insertion.
Coding change: c.2601_2602insACAA on transcript NM_017780.4 (MANE Select); coding-DNA positions 2601 to 2602, ACAA inserted.
Protein change: p.Phe868fs; shifts the reading frame from phenylalanine 868.
Molecular consequence: frameshift variant. On other transcripts: intron variant (1).
Genome position: GRCh38 VCF-style: chr8-60816489-G-GACAA. GRCh37 (hg19) VCF-style: chr8-61729048-G-GACAA.
Other names: c.1716+35439_1716+35440insACAA (NM_001316690.1); short protein forms F868fs.
Identifiers: ClinVar variation 3601807 (VCV003601807.1).

ClinVar aggregate classification (germline): Likely pathogenic (1 of 4 stars; one submission).

Conditions:
CHARGE syndrome (CHARGE). Also called: Hittner Hirsch Kreh syndrome; CHARGE ASSOCIATION--COLOBOMA, HEART ANOMALY, CHOANAL ATRESIA, RETARDATION, GENITAL AND EAR ANOMALIES; Coloboma, heart anomaly, choanal atresia, retardation, genital and ear anomalies; CHARGE association; Hall-Hittner syndrome. Identifiers: Orphanet 138, MedGen C0265354, MONDO:0008965.

Submission:

Institute of Rare Diseases, West China Hospital, Sichuan University
Classification: Likely pathogenic for CHD7-related CHARGE syndrome. Last evaluated: 2025-01-09. Review status: criteria provided, single submitter. Criteria: ClinGen HL ACMG Specifications v1. Collection method: research. Allele origin: germline. Affected: yes.
Comment: PVS1;PM2_Supporting